The following is an entry in ClinVar:

NM_017617.5(NOTCH1):c.4762A>C (p.Ser1588Arg)

Gene: NOTCH1 (notch receptor 1; minus strand). Cytogenetic location: 9q34.3.
Variant type: single nucleotide variant.
Coding change: c.4762A>C on transcript NM_017617.5 (MANE Select); coding-DNA position 4762, A replaced by C.
Protein change: p.Ser1588Arg; replaces serine 1588 with arginine.
Molecular consequence: missense variant.
Genome position (GRCh38, 1-based): chr9:136,504,929, T>G on the plus strand (A>C on the coding strand, the complement: NOTCH1 is on the minus strand). VCF-style: chr9-136504929-T-G. GRCh37 (hg19) VCF-style: chr9-139399381-T-G.
Other names: short protein forms S1588R.
Identifiers: ClinVar variation 3406855 (VCV003406855.1).

ClinVar aggregate classification (germline): Uncertain significance (1 of 4 stars; one submission).

Conditions:
Familial thoracic aortic aneurysm and aortic dissection (TAAD). Also called: Thoracic aortic aneurysms and dissections. Identifiers: Orphanet 91387, MedGen C4707243, MONDO:0019625.

Submission:

Ambry Genetics
Classification: Uncertain significance for Familial thoracic aortic aneurysm and aortic dissection. Last evaluated: 2024-10-22. Review status: criteria provided, single submitter. Criteria: Ambry Variant Classification Scheme 2023. Collection method: clinical testing. Allele origin: germline.
Comment: The p.S1588R variant (also known as c.4762A>C), located in coding exon 26 of the NOTCH1 gene, results from an A to C substitution at nucleotide position 4762. The serine at codon 1588 is replaced by arginine, an amino acid with dissimilar properties. This amino acid position is conserved. In addition, this alteration is predicted to be tolerated by in silico analysis. Based on the available evidence, the clinical significance of this variant remains unclear.